The following is an entry in ClinVar:

ClinVar aggregate classification (germline): Uncertain significance. Review status: criteria provided, multiple submitters, no conflicts (2 of 4 stars). 2 submissions from 2 submitters: Uncertain significance (2). Last evaluated 2025-09-24.

Conditions:
Hyperphosphatasia with intellectual disability syndrome 5 (GPIBD11). Also called: GLYCOSYLPHOSPHATIDYLINOSITOL BIOSYNTHESIS DEFECT 11. Identifiers: Orphanet 247262, MedGen C4014958, MONDO:0014457, OMIM 616025.
Inborn genetic diseases. Identifiers: MedGen C0950123, MeSH D030342.

Submissions (2):

Ambry Genetics
Classification: Uncertain significance for Inborn genetic diseases. Last evaluated: 2025-09-24. Review status: criteria provided, single submitter. Criteria: Ambry Variant Classification Scheme 2023. Collection method: clinical testing. Allele origin: germline.

Labcorp Genetics (formerly Invitae), Labcorp
Classification: Uncertain significance for Hyperphosphatasia with intellectual disability syndrome 5. Last evaluated: 2021-10-07. Review status: criteria provided, single submitter. Criteria: Invitae Variant Classification Sherloc (09022015). Collection method: clinical testing. Allele origin: germline.
Comment: This variant is not present in population databases (ExAC no frequency). This sequence change replaces glycine with glutamic acid at codon 25 of the PIGW protein (p.Gly25Glu). The glycine residue is moderately conserved and there is a moderate physicochemical difference between glycine and glutamic acid. This variant has not been reported in the literature in individuals affected with PIGW-related conditions. In summary, the available evidence is currently insufficient to determine the role of this variant in disease. Therefore, it has been classified as a Variant of Uncertain Significance. Algorithms developed to predict the effect of missense changes on protein structure and function are either unavailable or do not agree on the potential impact of this missense change (SIFT: "Tolerated"; PolyPhen-2: "Possibly Damaging"; Align-GVGD: "Class C0").

NM_001346754.2(PIGW):c.74G>A (p.Gly25Glu)

Genes: MYO19 (myosin XIX; minus strand), PIGW (phosphatidylinositol glycan anchor biosynthesis class W; plus strand). Cytogenetic location: 17q12.
Variant type: single nucleotide variant.
Coding change: c.74G>A on transcript NM_001346754.2 (MANE Select); coding-DNA position 74, G replaced by A.
Protein change: p.Gly25Glu; replaces glycine 25 with glutamic acid.
Molecular consequence: missense variant.
Genome position (GRCh38, 1-based): chr17:36,537,175, G>A. VCF-style: chr17-36537175-G-A. GRCh37 (hg19) VCF-style: chr17-34893024-G-A.
Other names: c.74G>A (NM_178517.3); c.74G>A, p.Gly25Glu (NM_001346755.2, NM_178517.5); short protein forms G25E.
Identifiers: ClinVar variation 1385052 (VCV001385052.7), dbSNP rs2142613690, ClinGen allele CA399161646.